The following is an entry in ClinVar:

ClinVar aggregate classification (germline): Benign/Likely benign. Review status: criteria provided, multiple submitters, no conflicts (2 of 4 stars). 4 submissions from 3 submitters: Benign (1); Likely benign (2). 1 of the submissions does not count toward it. Last evaluated 2026-01-06.

Conditions:
Ehlers-Danlos syndrome, spondylodysplastic type, 3. Also called: Ehlers-Danlos syndrome, spondylocheirodysplastic type. Identifiers: Orphanet 157965, MedGen C2676510, MONDO:0012873, OMIM 612350.
Ehlers-Danlos syndrome (EDS). Identifiers: Orphanet 98249, MedGen C0013720, MONDO:0020066.
SLC39A13-related disorder. Also called: SLC39A13-related condition.
Connective tissue disorder. Also called: Connective tissue disease. Identifiers: MedGen C0009782, MONDO:0003900.

Allele frequency attached by ClinVar (database versions not stated): gnomAD 0.00001 and 0.00013; TOPMed 0.00002; 1000 Genomes Project 30x 0.00062; 1000 Genomes Project 0.00080.
gnomAD v4.1: 476 of 1,614,040 alleles (0.029%); highest among the groups gnomAD compares: South Asian, 0.49%; 3 homozygotes.

Submissions (4):

Labcorp Genetics (formerly Invitae), Labcorp
Classification: Benign for Ehlers-Danlos syndrome, spondylodysplastic type, 3. Last evaluated: 2026-01-06. Review status: criteria provided, single submitter. Criteria: Invitae Variant Classification Sherloc (09022015). Collection method: clinical testing. Allele origin: germline.

Genome Diagnostics Laboratory, The Hospital for Sick Children
Classification: Likely benign for Ehlers-Danlos syndrome. Last evaluated: 2022-06-07. Review status: criteria provided, single submitter. Criteria: ACMG Guidelines, 2015. Collection method: clinical testing. Allele origin: germline.

Genome Diagnostics Laboratory, The Hospital for Sick Children
Classification: Likely benign for Connective tissue disorder. Last evaluated: 2022-06-07. Review status: criteria provided, single submitter. Criteria: ACMG Guidelines, 2015. Collection method: clinical testing. Allele origin: germline.

PreventionGenetics, part of Exact Sciences
Classification: Likely benign for SLC39A13-related condition. Last evaluated: 2022-06-23. Review status: no assertion criteria provided. Collection method: clinical testing. Allele origin: germline. Not counted in ClinVar's aggregate classification.
Comment: This variant is classified as likely benign based on ACMG/AMP sequence variant interpretation guidelines (Richards et al. 2015 PMID: 25741868, with internal and published modifications).

NM_001128225.3(SLC39A13):c.1074G>A (p.Ala358=)

Gene: SLC39A13 (solute carrier family 39 member 13; plus strand). Cytogenetic location: 11p11.2.
Variant type: single nucleotide variant.
Coding change: c.1074G>A on transcript NM_001128225.3 (MANE Select); coding-DNA position 1074, G replaced by A.
Protein change: p.Ala358=; no amino-acid change (alanine 358 retained).
Molecular consequence: synonymous variant. On other transcripts: 3 prime UTR variant (1), non-coding transcript variant (1).
Genome position (GRCh38, 1-based): chr11:47,415,321, G>A. VCF-style: chr11-47415321-G-A. GRCh37 (hg19) VCF-style: chr11-47436872-G-A.
Other names: c.*71G>A (NM_001330245.2); c.1053G>A, p.Ala351= (NM_152264.5).
Identifiers: ClinVar variation 537269 (VCV000537269.16), dbSNP rs576702857, ClinGen allele CA5976056.